The following is an entry in ClinVar:

NC_000002.11:g.(110881641_110883213)_(110901219_110902069)del

Gene: NPHP1 (nephrocystin 1; minus strand). Cytogenetic location: 2q13.
Variant type: Deletion.
Identifiers: ClinVar variation 3769272 (VCV003769272.2).

ClinVar aggregate classification (germline): Pathogenic (1 of 4 stars; one submission).

Conditions:
Joubert syndrome and related disorders. Identifiers: Orphanet 140874, MedGen C5679612, MONDO:0015369.

Submission:

Women's Health and Genetics/Laboratory Corporation of America, LabCorp
Classification: Pathogenic for Joubert syndrome and related disorders. Last evaluated: 2025-01-06. Review status: criteria provided, single submitter. Criteria: LabCorp Variant Classification Summary - May 2015. Collection method: clinical testing. Allele origin: germline.
Comment: Variant summary: The variant involves the deletion of exons 16-19 in the NPHP1 gene. A presumed nomenclature of c.(1597+1_1598-1)_(1929+1_1930-1)del has been designated for the purposes of this classification. This Copy Number Variant (CNV) is expected to alter the reading frame and predicted to result in a truncation or absence of the encoded protein due to nonsense mediated decay (NMD). The variant was absent in 21694 control chromosomes (gnomAD, structural variants dataset). To our knowledge, no occurrence of c.(1597+1_1598-1)_(1929+1_1930-1)del in individuals affected with Joubert Syndrome And Related Disorders and no experimental evidence demonstrating its impact on protein function have been reported. No submitters have cited clinical-significance assessments for this variant to ClinVar. Based on the evidence outlined above, the variant was classified as pathogenic.